The following is an entry in ClinVar:

ClinVar aggregate classification (germline): Uncertain significance (1 of 4 stars; one submission).

Conditions:
Severe combined immunodeficiency due to DNA-PKcs deficiency. Also called: IMMUNODEFICIENCY 26 WITH NEUROLOGIC ABNORMALITIES; Immunodeficiency 26 with or without neurologic abnormalities. Identifiers: Orphanet 317425, MedGen C4014833, MONDO:0014423, OMIM 615966.

gnomAD v4.1: 9 of 1,614,054 alleles (0.00056%); highest among the groups gnomAD compares: South Asian, 0.0088%; no homozygotes.

Submission:

Labcorp Genetics (formerly Invitae), Labcorp
Classification: Uncertain significance for Severe combined immunodeficiency due to DNA-PKcs deficiency. Last evaluated: 2026-01-17. Review status: criteria provided, single submitter. Criteria: Invitae Variant Classification Sherloc (09022015). Collection method: clinical testing. Allele origin: germline.
Comment: This sequence change replaces methionine, which is neutral and non-polar, with threonine, which is neutral and polar, at codon 3980 of the PRKDC protein (p.Met3980Thr). This variant is present in population databases (rs757560440, gnomAD 0.02%). This variant has not been reported in the literature in individuals affected with PRKDC-related conditions. Invitae Evidence Modeling of protein sequence and biophysical properties (such as structural, functional, and spatial information, amino acid conservation, physicochemical variation, residue mobility, and thermodynamic stability) indicates that this missense variant is not expected to disrupt PRKDC protein function with a negative predictive value of 80%. In summary, the available evidence is currently insufficient to determine the role of this variant in disease. Therefore, it has been classified as a Variant of Uncertain Significance.

NM_006904.7(PRKDC):c.11939T>C (p.Met3980Thr)

Gene: PRKDC (protein kinase, DNA-activated, catalytic subunit; minus strand). Cytogenetic location: 8q11.21.
Variant type: single nucleotide variant.
Coding change: c.11939T>C on transcript NM_006904.7 (MANE Select); coding-DNA position 11939, T replaced by C.
Protein change: p.Met3980Thr; replaces methionine 3980 with threonine.
Molecular consequence: missense variant.
Genome position (GRCh38, 1-based): chr8:47,777,789, A>G on the plus strand (T>C on the coding strand, the complement: PRKDC is on the minus strand). VCF-style: chr8-47777789-A-G. GRCh37 (hg19) VCF-style: chr8-48690350-A-G.
Other names: c.11846T>C, p.Met3949Thr (NM_001081640.2); short protein forms M3949T, M3980T.
Identifiers: ClinVar variation 4776985 (VCV004776985.1).
Genomic context (GRCh38, chr8:47,777,789, plus strand): 5'-TTGGTGAGCAGGCCAGGGTCTGAGCGGAAGGCCCGGAGTGCGTGTACCATGATGCTGTAC[A>G]TAAGGCCCGTTTCTTTCATTGGTAACATCAGATTGATAAACTGGCGAGTTAGCCGAAAAG-3'
Protein context (NP_008835.5, residues 3970-3990): LMLPMKETGL[Met3980Thr]YSIMVHALRA